The following is an entry in ClinVar:

NM_006939.4(SOS2):c.3308T>C (p.Phe1103Ser)

Gene: SOS2 (SOS Ras/Rho guanine nucleotide exchange factor 2; minus strand). Cytogenetic location: 14q21.3.
Variant type: single nucleotide variant.
Coding change: c.3308T>C on transcript NM_006939.4 (MANE Select); coding-DNA position 3308, T replaced by C.
Protein change: p.Phe1103Ser; replaces phenylalanine 1103 with serine.
Molecular consequence: missense variant.
Genome position (GRCh38, 1-based): chr14:50,130,530, A>G on the plus strand (T>C on the coding strand, the complement: SOS2 is on the minus strand). VCF-style: chr14-50130530-A-G. GRCh37 (hg19) VCF-style: chr14-50597248-A-G.
Other names: c.3209T>C, p.Phe1070Ser (NM_001411020.1); short protein forms F1070S, F1103S.
Identifiers: ClinVar variation 3644469 (VCV003644469.2).

ClinVar aggregate classification (germline): Uncertain significance (1 of 4 stars; one submission).

Conditions:
Noonan syndrome 9 (NS9). Identifiers: Orphanet 648, MedGen C4225282, MONDO:0014691, OMIM 616559.

Submission:

Labcorp Genetics (formerly Invitae), Labcorp
Classification: Uncertain significance for Noonan syndrome 9. Last evaluated: 2024-03-04. Review status: criteria provided, single submitter. Criteria: Invitae Variant Classification Sherloc (09022015). Collection method: clinical testing. Allele origin: germline.
Comment: This sequence change replaces phenylalanine, which is neutral and non-polar, with serine, which is neutral and polar, at codon 1103 of the SOS2 protein (p.Phe1103Ser). This variant is not present in population databases (gnomAD no frequency). This variant has not been reported in the literature in individuals affected with SOS2-related conditions. Advanced modeling of protein sequence and biophysical properties (such as structural, functional, and spatial information, amino acid conservation, physicochemical variation, residue mobility, and thermodynamic stability) performed at Invitae indicates that this missense variant is not expected to disrupt SOS2 protein function with a negative predictive value of 80%. In summary, the available evidence is currently insufficient to determine the role of this variant in disease. Therefore, it has been classified as a Variant of Uncertain Significance.